The following is an entry in ClinVar:

ClinVar aggregate classification (germline): Likely benign (0 of 4 stars; one submission).

Conditions:
IQSEC2-related disorder. Also called: IQSEC2-related condition.

Submission:

PreventionGenetics, part of Exact Sciences
Classification: Likely benign for IQSEC2-related condition. Last evaluated: 2023-03-26. Review status: no assertion criteria provided. Collection method: clinical testing. Allele origin: germline.
Comment: This variant is classified as likely benign based on ACMG/AMP sequence variant interpretation guidelines (Richards et al. 2015 PMID: 25741868, with internal and published modifications).

NM_001111125.3(IQSEC2):c.3452-10G>A

Gene: IQSEC2 (IQ motif and Sec7 domain ArfGEF 2; minus strand). Cytogenetic location: Xp11.22.
Variant type: single nucleotide variant.
Coding change: c.3452-10G>A on transcript NM_001111125.3 (MANE Select); 10 bases into the intron before coding-DNA position 3452, G replaced by A.
Molecular consequence: intron variant.
Genome position (GRCh38, 1-based): chrX:53,235,842, C>T on the plus strand (G>A on the coding strand, the complement: IQSEC2 is on the minus strand). VCF-style: chrX-53235842-C-T. GRCh37 (hg19) VCF-style: chrX-53265024-C-T.
Other names: c.3451+480G>A (NM_001410736.1); c.2836+480G>A (NM_015075.2).
Identifiers: ClinVar variation 3044483 (VCV003044483.2), dbSNP rs2519683036, ClinGen allele CA2740092155.
Genomic context (GRCh38, chrX:53,235,842, plus strand): 5'-CTTCGATGGTGCTGTCCAGCGATCCCACGCTGTTACGCCGCCCCCGCTTCCCTGCACCCA[C>T]AAGCAAGGAGCCCAGCGTCAGAGCAGCAACCCCCCCCCTACCCTGCTGGGCTCCAGAGCT-3'